The following is an entry in ClinVar:

NM_001083962.2(TCF4):c.1862T>C (p.Leu621Pro)

Gene: TCF4 (transcription factor 4; minus strand). Cytogenetic location: 18q21.2.
Variant type: single nucleotide variant.
Coding change: c.1862T>C on transcript NM_001083962.2 (MANE Select); coding-DNA position 1862, T replaced by C.
Protein change: p.Leu621Pro; replaces leucine 621 with proline.
Molecular consequence: missense variant.
Genome position (GRCh38, 1-based): chr18:55,228,864, A>G on the plus strand (T>C on the coding strand, the complement: TCF4 is on the minus strand). VCF-style: chr18-55228864-A-G. GRCh37 (hg19) VCF-style: chr18-52896095-A-G.
Other names: c.1775T>C, p.Leu592Pro (NM_001348220.1, NM_001369584.1, NM_001369585.1); c.1862T>C, p.Leu621Pro (NM_001369567.1, NM_001369568.1); c.1859T>C, p.Leu620Pro (NM_001369569.1, NM_001369570.1, NM_001330604.3); c.1850T>C, p.Leu617Pro (NM_001369571.1, NM_001369572.1, NM_003199.3); c.1847T>C, p.Leu616Pro (NM_001369573.1, NM_001369574.1); c.1790T>C, p.Leu597Pro (NM_001369575.1, NM_001243227.2, NM_001348217.1 and 1 more transcripts); c.2168T>C, p.Leu723Pro (NM_001243226.3); c.1880T>C, p.Leu627Pro (NM_001243228.2); and 14 more; short protein forms L405P, L456P, L457P, L461P, L487P, L491P, L546P, L550P.
Identifiers: ClinVar variation 4813571 (VCV004813571.1).

ClinVar aggregate classification (germline): Pathogenic (1 of 4 stars; one submission).

Conditions:
Pitt-Hopkins syndrome (PTHS). Also called: ENCEPHALOPATHY, SEVERE EPILEPTIC, WITH AUTONOMIC DYSFUNCTION; MENTAL RETARDATION, SYNDROMAL, WITH INTERMITTENT HYPERVENTILATION. Identifiers: Orphanet 2896, MedGen C1970431, MONDO:0012589, OMIM 610954.

Submission:

Mendelics
Classification: Pathogenic for Pitt-Hopkins syndrome. Last evaluated: 2026-03-05. Review status: criteria provided, single submitter. Criteria: ACMG Guidelines, 2015. Collection method: clinical testing. Allele origin: unknown.
Comment: Likely pathogenic/Pathogenic according to ACMG criteria.